The following is an entry in ClinVar:

ClinVar aggregate classification (germline): Uncertain significance (1 of 4 stars; one submission).

Allele frequency attached by ClinVar (database versions not stated): gnomAD exomes 0.00001; ExAC 0.00003.
gnomAD v4.1: 5 of 1,612,572 alleles (0.00031%); highest among the groups gnomAD compares: Admixed American, 0.0067%; no homozygotes.

Submission:

Labcorp Genetics (formerly Invitae), Labcorp
Classification: Uncertain significance. Last evaluated: 2024-02-12. Review status: criteria provided, single submitter. Criteria: Invitae Variant Classification Sherloc (09022015). Collection method: clinical testing. Allele origin: germline.
Comment: This sequence change replaces leucine, which is neutral and non-polar, with valine, which is neutral and non-polar, at codon 454 of the PROM1 protein (p.Leu454Val). This variant is present in population databases (rs773231426, gnomAD 0.009%). This variant has not been reported in the literature in individuals affected with PROM1-related conditions. ClinVar contains an entry for this variant (Variation ID: 1909019). Advanced modeling of protein sequence and biophysical properties (such as structural, functional, and spatial information, amino acid conservation, physicochemical variation, residue mobility, and thermodynamic stability) performed at Invitae indicates that this missense variant is expected to disrupt PROM1 protein function with a positive predictive value of 80%. In summary, the available evidence is currently insufficient to determine the role of this variant in disease. Therefore, it has been classified as a Variant of Uncertain Significance.

NM_006017.3(PROM1):c.1360C>G (p.Leu454Val)

Gene: PROM1 (prominin 1; minus strand). Cytogenetic location: 4p15.32.
Variant type: single nucleotide variant.
Coding change: c.1360C>G on transcript NM_006017.3 (MANE Select); coding-DNA position 1360, C replaced by G.
Protein change: p.Leu454Val; replaces leucine 454 with valine.
Molecular consequence: missense variant.
Genome position (GRCh38, 1-based): chr4:16,006,632, G>C on the plus strand (C>G on the coding strand, the complement: PROM1 is on the minus strand). VCF-style: chr4-16006632-G-C. GRCh37 (hg19) VCF-style: chr4-16008255-G-C.
Other names: c.1333C>G, p.Leu445Val (NM_001145847.2, NM_001145848.2, NM_001145851.2 and 4 more transcripts); c.1360C>G, p.Leu454Val (NM_001145849.2, NM_001145850.2); short protein forms L454V, L445V.
Identifiers: ClinVar variation 1909019 (VCV001909019.5), dbSNP rs773231426, ClinGen allele CA2866792.